The following is an entry in ClinVar:

NM_002354.3(EPCAM):c.637G>T (p.Ala213Ser)

Gene: EPCAM (epithelial cell adhesion molecule; plus strand). Cytogenetic location: 2p21.
Variant type: single nucleotide variant.
Coding change: c.637G>T on transcript NM_002354.3 (MANE Select); coding-DNA position 637, G replaced by T.
Protein change: p.Ala213Ser; replaces alanine 213 with serine.
Molecular consequence: missense variant.
Genome position (GRCh38, 1-based): chr2:47,379,034, G>T. VCF-style: chr2-47379034-G-T. GRCh37 (hg19) VCF-style: chr2-47606173-G-T.
Other names: short protein forms A213S.
Identifiers: ClinVar variation 4827120 (VCV004827120.1).
Genomic context (GRCh38, chr2:47,379,034, plus strand): 5'-ATTGATCTGGTTCAAAATTCTTCTCAAAAAACTCAGAATGATGTGGACATAGCTGATGTG[G>T]CTTATTATTTTGAAAAAGATGTGAGTATCATCTTCTTTATTCCTGTGTTCAGGAATGTAG-3'
Protein context (NP_002345.2, residues 203-223): TQNDVDIADV[Ala213Ser]YYFEKDVKGE

ClinVar aggregate classification (germline): Uncertain significance (1 of 4 stars; one submission).

Conditions:
Hereditary cancer-predisposing syndrome. Also called: Neoplastic Syndromes, Hereditary; Tumor predisposition; Hereditary Cancer Syndrome; Hereditary neoplastic syndrome. Identifiers: Orphanet 140162, MedGen C0027672, MeSH D009386, MONDO:0015356.

Submission:

Ambry Genetics
Classification: Uncertain significance for Hereditary cancer-predisposing syndrome. Last evaluated: 2026-02-24. Review status: criteria provided, single submitter. Criteria: Ambry Variant Classification Scheme 2023. Collection method: clinical testing. Allele origin: germline.
Comment: The p.A213S variant (also known as c.637G>T), located in coding exon 6 of the EPCAM gene, results from a G to T substitution at nucleotide position 637. The alanine at codon 213 is replaced by serine, an amino acid with similar properties. This amino acid position is conserved. In addition, the in silico prediction for this alteration is inconclusive. Based on the available evidence, the clinical significance of this variant remains unclear.